The following is an entry in ClinVar:

ClinVar aggregate classification (germline): Uncertain significance (1 of 4 stars; one submission).

Allele frequency attached by ClinVar (database versions not stated): gnomAD exomes below 0.00001.
gnomAD v4.1: 2 of 1,612,688 alleles (0.00012%); highest among the groups gnomAD compares: Non-Finnish European, 0.00017%; no homozygotes.

Submission:

Labcorp Genetics (formerly Invitae), Labcorp
Classification: Uncertain significance. Last evaluated: 2022-05-27. Review status: criteria provided, single submitter. Criteria: Invitae Variant Classification Sherloc (09022015). Collection method: clinical testing. Allele origin: germline.
Comment: In summary, the available evidence is currently insufficient to determine the role of this variant in disease. Therefore, it has been classified as a Variant of Uncertain Significance. Algorithms developed to predict the effect of missense changes on protein structure and function output the following: SIFT: "Deleterious"; PolyPhen-2: "Benign"; Align-GVGD: "Class C25". The glutamic acid amino acid residue is found in multiple mammalian species, which suggests that this missense change does not adversely affect protein function. This variant has not been reported in the literature in individuals affected with SCLT1-related conditions. This variant is not present in population databases (gnomAD no frequency). This sequence change replaces glutamine, which is neutral and polar, with glutamic acid, which is acidic and polar, at codon 518 of the SCLT1 protein (p.Gln518Glu).

NM_144643.4(SCLT1):c.1552C>G (p.Gln518Glu)

Gene: SCLT1 (sodium channel and clathrin linker 1; minus strand). Cytogenetic location: 4q28.2.
Variant type: single nucleotide variant.
Coding change: c.1552C>G on transcript NM_144643.4 (MANE Select); coding-DNA position 1552, C replaced by G.
Protein change: p.Gln518Glu; replaces glutamine 518 with glutamic acid.
Molecular consequence: missense variant.
Genome position (GRCh38, 1-based): chr4:128,943,076, G>C on the plus strand (C>G on the coding strand, the complement: SCLT1 is on the minus strand). VCF-style: chr4-128943076-G-C. GRCh37 (hg19) VCF-style: chr4-129864231-G-C.
Other names: short protein forms Q518E.
Identifiers: ClinVar variation 1999470 (VCV001999470.4), dbSNP rs2530334178, ClinGen allele CA358186116.